The following is an entry in ClinVar:

NM_000051.4(ATM):c.8121dup (p.Asp2708fs)

Genes: ATM (ATM serine/threonine kinase; plus strand), C11orf65 (chromosome 11 open reading frame 65; minus strand). Cytogenetic location: 11q22.3.
Variant type: Duplication.
Coding change: c.8121dup on transcript NM_000051.4 (MANE Select); coding-DNA position 8121, one base duplicated (C; older notation c.8121dupC).
Protein change: p.Asp2708fs; shifts the reading frame from aspartic acid 2708.
Molecular consequence: frameshift variant. On other transcripts: intron variant (2).
Genome position (GRCh38, 1-based): chr11:108,335,079, C duplicated; the last of 2 consecutive C bases (chr11:108,335,078-108,335,079); duplicating either gives the same sequence. VCF-style (leftmost placement, unchanged base first): chr11-108335077-T-TC. GRCh37 (hg19) VCF-style: chr11-108205804-T-TC.
Other names: c.8121dupC (NM_000051.3); c.8121dup, p.Asp2708fs (NM_001351834.2); c.641-26007dup (NM_001330368.2); c.*38+142dup (NM_001351110.2); short protein forms D2708fs.
Identifiers: ClinVar variation 4843924 (VCV004843924.1).
Genomic context (GRCh38, chr11:108,335,077, plus strand): 5'-AAAGCAGAATTTCGCTTAGCAGGAGGTGTAAATTTACCAAAAATAATAGATTGTGTAGGT[T>TC]CCGATGGCAAGGAGAGGAGACAGCTTGTTAAGGTGAGCCTTCCCTTCTCTGGCTTAGCCC-3'

ClinVar aggregate classification (germline): Pathogenic (1 of 4 stars; one submission).

Conditions:
Hereditary cancer-predisposing syndrome. Also called: Tumor predisposition; Hereditary neoplastic syndrome; Hereditary Cancer Syndrome; Neoplastic Syndromes, Hereditary. Identifiers: Orphanet 140162, MedGen C0027672, MeSH D009386, MONDO:0015356.

Submission:

Ambry Genetics
Classification: Pathogenic for Hereditary cancer-predisposing syndrome. Last evaluated: 2026-01-07. Review status: criteria provided, single submitter. Criteria: Ambry Variant Classification Scheme 2023. Collection method: clinical testing. Allele origin: germline.
Comment: The c.8121dupC pathogenic mutation, located in coding exon 54 of the ATM gene, results from a duplication of C at nucleotide position 8121, causing a translational frameshift with a predicted alternate stop codon (p.D2708Rfs*10). This variant is considered to be rare based on population cohorts in the Genome Aggregation Database (gnomAD). This alteration is expected to result in loss of function by premature protein truncation or nonsense-mediated mRNA decay. As such, this alteration is interpreted as a disease-causing mutation.